The following is an entry in ClinVar:

ClinVar aggregate classification (germline): Likely benign. Review status: criteria provided, multiple submitters, no conflicts (2 of 4 stars). 3 submissions from 3 submitters: Likely benign (3). Last evaluated 2024-01-11.

Conditions:
Cardiac arrhythmia. Also called: Cardiac rhythm disease; Arrhythmia. Identifiers: MedGen C0003811, MONDO:0007263, HP:0011675.
Long QT syndrome (LQTS). Identifiers: MedGen C0023976, MeSH D008133, MONDO:0002442. Disease mechanism: loss of function. Inheritance: Various modes of inheritance.

Allele frequency attached by ClinVar (database versions not stated): TOPMed below 0.00001.
gnomAD v4.1: 14 of 1,613,368 alleles (0.00087%); highest among the groups gnomAD compares: Non-Finnish European, 0.001%; no homozygotes.

Submissions (3):

All of Us Research Program, National Institutes of Health
Classification: Likely benign for Long QT syndrome. Last evaluated: 2024-01-11. Review status: criteria provided, single submitter. Criteria: ACMG Guidelines, 2015. Collection method: clinical testing. Allele origin: germline. Inheritance: Autosomal dominant inheritance. Observed: 3 variant alleles, 3 heterozygotes.
Comment: This study involves interpretation of variants in research participants for the purpose of population health screening. Participant phenotype was not available at the time of variant classification. Additional details can be found in publication PMID: 35346344, PMCID: PMC8962531

Labcorp Genetics (formerly Invitae), Labcorp
Classification: Likely benign for Long QT syndrome. Last evaluated: 2021-11-10. Review status: criteria provided, single submitter. Criteria: Invitae Variant Classification Sherloc (09022015). Collection method: clinical testing. Allele origin: germline.

Color Diagnostics, LLC DBA Color Health
Classification: Likely benign for Arrhythmia. Last evaluated: 2020-01-23. Review status: criteria provided, single submitter. Criteria: ACMG Guidelines, 2015. Collection method: clinical testing. Allele origin: germline.

NM_000218.3(KCNQ1):c.1252-8T>C

Gene: KCNQ1 (potassium voltage-gated channel subfamily Q member 1; plus strand). Cytogenetic location: 11p15.5.
Variant type: single nucleotide variant.
Coding change: c.1252-8T>C on transcript NM_000218.3 (MANE Select); 8 bases into the intron before coding-DNA position 1252, T replaced by C.
Molecular consequence: intron variant.
Genome position (GRCh38, 1-based): chr11:2,588,705, T>C. VCF-style: chr11-2588705-T-C. GRCh37 (hg19) VCF-style: chr11-2609935-T-C.
Other names: c.982-8T>C (NM_001406837.1); c.1156-8T>C (NM_001406836.1); c.712-8T>C (NM_001406838.1); c.871-8T>C (NM_181798.2).
Identifiers: ClinVar variation 919573 (VCV000919573.13), dbSNP rs761247239, ClinGen allele CA597432454.